The following is an entry in ClinVar:

NM_002049.4(GATA1):c.170_173dup (p.Ala59fs)

Gene: GATA1 (GATA binding protein 1; plus strand). Cytogenetic location: Xp11.23.
Variant type: Duplication.
Coding change: c.170_173dup on transcript NM_002049.4 (MANE Select); coding-DNA positions 170 to 173, 4 bases duplicated (CTGC; older notation c.170_173dupCTGC).
Protein change: p.Ala59fs; shifts the reading frame from alanine 59.
Molecular consequence: frameshift variant.
Genome position (GRCh38, 1-based): chrX:48,791,279-48,791,282, CTGC duplicated. VCF-style (leftmost placement, unchanged base first): chrX-48791278-G-GCTGC. GRCh37 (hg19) VCF-style: chrX-48649685-G-GCTGC.
Other names: short protein forms A59fs.
Identifiers: ClinVar variation 2671636 (VCV002671636.1), dbSNP rs2519343818, ClinGen allele CA2695200208.

ClinVar aggregate classification (germline): Likely pathogenic (1 of 4 stars; one submission).

Conditions:
X-linked dyserythropoetic anemia with abnormal platelets and neutropenia. Also called: ANEMIA, X-LINKED, WITH OR WITHOUT NEUTROPENIA AND/OR PLATELET ABNORMALITIES. Identifiers: Orphanet 363727, MedGen C3550856, MONDO:0010444, OMIM 300835.

Submission:

Neuberg Centre For Genomic Medicine, NCGM
Classification: Likely pathogenic for X-linked dyserythropoetic anemia with abnormal platelets and neutropenia. Last evaluated: 2023-02-14. Review status: criteria provided, single submitter. Criteria: ACMG Guidelines, 2015. Collection method: clinical testing. Allele origin: germline. Inheritance: X-linked recessive inheritance. Affected: yes.
Comment: The frameshift c.170_173dup(p.Ala59CysfsTer10) variant has not been reported previously as a pathogenic variant nor as a benign variant, to our knowledge. The p.Ala59CysfsTer10 variant is novel (not in any individuals) in gnomAD Exomes and 1000 Genomes. This variant has not been reported to the ClinVar database. This variant causes a frameshift starting with codon Alanine 59, changes this amino acid to Cysteine residue, and creates a premature Stop codon at position 10 of the new reading frame, denoted p.Ala59CysfsTer10. This variant is predicted to cause loss of normal protein function through protein truncation. Loss of function variants have been previously reported to be disease causing. For these reasons, this variant has been classified as Likely Pathogenic.